The following is an entry in ClinVar:

NM_001382391.1(CSPP1):c.632G>A (p.Arg211Gln)

Gene: CSPP1 (centrosome and spindle pole associated protein 1; plus strand). Cytogenetic location: 8q13.1.
Variant type: single nucleotide variant.
Coding change: c.632G>A on transcript NM_001382391.1 (MANE Select); coding-DNA position 632, G replaced by A.
Protein change: p.Arg211Gln; replaces arginine 211 with glutamine.
Molecular consequence: missense variant. On other transcripts: 5 prime UTR variant (1).
Genome position (GRCh38, 1-based): chr8:67,095,441, G>A. VCF-style: chr8-67095441-G-A. GRCh37 (hg19) VCF-style: chr8-68007676-G-A.
Other names: c.-224G>A (NM_001291339.2); c.551G>A, p.Arg184Gln (NM_001363131.2, NM_001363133.2); c.632G>A, p.Arg211Gln (NM_001363132.2); c.740G>A, p.Arg247Gln (NM_001364869.1); c.659G>A, p.Arg220Gln (NM_001364870.1, NM_024790.7); short protein forms R211Q, R184Q, R220Q, R247Q.
Identifiers: ClinVar variation 1400845 (VCV001400845.5), dbSNP rs193231165, ClinGen allele CA4770326.
Genomic context (GRCh38, chr8:67,095,441, plus strand): 5'-GTCCTAGAAAAGATGTCTTAACTCCTTCAGAGGCATATGAAGAACTTCTGAACCAAAGAC[G>A]ACTAGAGGAGGACAGATACCGACAACTAGATGATGAAATCGAATTAAGGAATAGAAGAAT-3'
Protein context (NP_001369320.1, residues 201-221): EAYEELLNQR[Arg211Gln]LEEDRYRQLD

ClinVar aggregate classification (germline): Uncertain significance. Review status: criteria provided, multiple submitters, no conflicts (2 of 4 stars). 2 submissions from 2 submitters: Uncertain significance (2). Last evaluated 2025-05-05.

Conditions:
Joubert syndrome 21 (JBTS21). Identifiers: MedGen C3810212, MONDO:0014288, OMIM 615636.

Submissions (2):

Labcorp Genetics (formerly Invitae), Labcorp
Classification: Uncertain significance for Joubert syndrome 21. Last evaluated: 2025-05-05. Review status: criteria provided, single submitter. Criteria: Invitae Variant Classification Sherloc (09022015). Collection method: clinical testing. Allele origin: germline.
Comment: This sequence change replaces arginine, which is basic and polar, with glutamine, which is neutral and polar, at codon 220 of the CSPP1 protein (p.Arg220Gln). This variant is present in population databases (rs193231165, gnomAD 0.007%). This variant has not been reported in the literature in individuals affected with CSPP1-related conditions. ClinVar contains an entry for this variant (Variation ID: 1400845). An algorithm developed to predict the effect of missense changes on protein structure and function outputs the following: PolyPhen-2: "Benign". The glutamine amino acid residue is found in multiple mammalian species, which suggests that this missense change does not adversely affect protein function. In summary, the available evidence is currently insufficient to determine the role of this variant in disease. Therefore, it has been classified as a Variant of Uncertain Significance.

Blueprint Genetics
Classification: Uncertain significance. Last evaluated: 2023-10-04. Review status: criteria provided, single submitter. Criteria: ACMG Guidelines, 2015. Collection method: clinical testing. Allele origin: germline.